The following is an entry in ClinVar:

ClinVar aggregate classification (germline): Likely pathogenic (1 of 4 stars; one submission).

Submission:

Labcorp Genetics (formerly Invitae), Labcorp
Classification: Likely pathogenic. Last evaluated: 2023-04-22. Review status: criteria provided, single submitter. Criteria: Invitae Variant Classification Sherloc (09022015). Collection method: clinical testing. Allele origin: germline.
Comment: This sequence change affects a donor splice site in intron 11 of the SLC5A5 gene. It is expected to disrupt RNA splicing. Variants that disrupt the donor or acceptor splice site typically lead to a loss of protein function (PMID: 16199547), and loss-of-function variants in SLC5A5 are known to be pathogenic (PMID: 9388506, 9486973). This variant is not present in population databases (gnomAD no frequency). This variant has not been reported in the literature in individuals affected with SLC5A5-related conditions. Algorithms developed to predict the effect of sequence changes on RNA splicing suggest that this variant may disrupt the consensus splice site. In summary, the currently available evidence indicates that the variant is pathogenic, but additional data are needed to prove that conclusively. Therefore, this variant has been classified as Likely Pathogenic.

Literature cited by the submitters: PubMed 16199547; PubMed 9388506; PubMed 9486973.

NM_000453.3(SLC5A5):c.1329+2T>A

Gene: SLC5A5 (solute carrier family 5 member 5; plus strand). Cytogenetic location: 19p13.11.
Variant type: single nucleotide variant.
Coding change: c.1329+2T>A on transcript NM_000453.3 (MANE Select); the canonical splice donor site of the intron after coding-DNA position 1329, T replaced by A.
Molecular consequence: splice donor variant.
Genome position (GRCh38, 1-based): chr19:17,883,769, T>A. VCF-style: chr19-17883769-T-A. GRCh37 (hg19) VCF-style: chr19-17994578-T-A.
Identifiers: ClinVar variation 2858203 (VCV002858203.3), dbSNP rs1599925344, ClinGen allele CA404768149.